The following is an entry in ClinVar:

ClinVar aggregate classification (germline): Likely benign. Review status: criteria provided, multiple submitters, no conflicts (2 of 4 stars). 2 submissions from 2 submitters: Likely benign (2). Last evaluated 2023-12-13.

Conditions:
Marfan syndrome (MFS). Also called: MARFAN SYNDROME, TYPE I; Marfan syndrome type 1; Marfan's syndrome; Marfan syndrome, classic; FBN1-Related Marfan Syndrome. Identifiers: Orphanet 284963, Orphanet 558, MedGen C0024796, MONDO:0007947, OMIM 154700.
Familial thoracic aortic aneurysm and aortic dissection (TAAD). Also called: Thoracic aortic aneurysms and dissections. Identifiers: Orphanet 91387, MedGen C4707243, MONDO:0019625.

Allele frequency attached by ClinVar (database versions not stated): gnomAD exomes below 0.00001.
gnomAD v4.1: 1 of 1,612,530 alleles (0.000062%); highest among the groups gnomAD compares: South Asian, 0.0011%; no homozygotes.

Submissions (2):

All of Us Research Program, National Institutes of Health
Classification: Likely benign for Marfan syndrome. Last evaluated: 2023-12-13. Review status: criteria provided, single submitter. Criteria: ACMG Guidelines, 2015. Collection method: clinical testing. Allele origin: germline. Inheritance: Autosomal dominant inheritance. Observed: 1 variant allele, 1 heterozygote.
Comment: This study involves interpretation of variants in research participants for the purpose of population health screening. Participant phenotype was not available at the time of variant classification. Additional details can be found in publication PMID: 35346344, PMCID: PMC8962531

Labcorp Genetics (formerly Invitae), Labcorp
Classification: Likely benign for Marfan syndrome; Familial thoracic aortic aneurysm and aortic dissection. Last evaluated: 2022-12-30. Review status: criteria provided, single submitter. Criteria: Invitae Variant Classification Sherloc (09022015). Collection method: clinical testing. Allele origin: germline.

NM_000138.5(FBN1):c.750C>T (p.Cys250=)

Gene: FBN1 (fibrillin 1; minus strand). Cytogenetic location: 15q21.1.
Variant type: single nucleotide variant.
Coding change: c.750C>T on transcript NM_000138.5 (MANE Select); coding-DNA position 750, C replaced by T.
Protein change: p.Cys250=; no amino-acid change (cysteine 250 retained).
Molecular consequence: synonymous variant.
Genome position (GRCh38, 1-based): chr15:48,534,192, G>A on the plus strand (C>T on the coding strand, the complement: FBN1 is on the minus strand). VCF-style: chr15-48534192-G-A. GRCh37 (hg19) VCF-style: chr15-48826389-G-A.
Other names: c.750C>T, p.Cys250= (NM_001406716.1, NM_001406717.1).
Identifiers: ClinVar variation 2933674 (VCV002933674.4), dbSNP rs2505655615, ClinGen allele CA490028708.